The following is an entry in ClinVar:

NM_000298.6(PKLR):c.5C>T (p.Ser2Leu)

Gene: PKLR (pyruvate kinase L/R; minus strand). Cytogenetic location: 1q22.
Variant type: single nucleotide variant.
Coding change: c.5C>T on transcript NM_000298.6 (MANE Select); coding-DNA position 5, C replaced by T.
Protein change: p.Ser2Leu; replaces serine 2 with leucine.
Molecular consequence: missense variant.
Genome position (GRCh38, 1-based): chr1:155,301,391, G>A on the plus strand (C>T on the coding strand, the complement: PKLR is on the minus strand). VCF-style: chr1-155301391-G-A. GRCh37 (hg19) VCF-style: chr1-155271182-G-A.
Other names: short protein forms S2L.
Identifiers: ClinVar variation 4854471 (VCV004854471.2).

ClinVar aggregate classification (germline): Uncertain significance. Review status: criteria provided, multiple submitters, no conflicts (2 of 4 stars). 2 submissions from 2 submitters: Uncertain significance (2). Last evaluated 2025-11-26.

Conditions:
Pyruvate kinase deficiency of red cells (CNSHA2). Also called: PK DEFICIENCY; PYRUVATE KINASE DEFICIENCY OF ERYTHROCYTE; Pyruvate kinase deficiency, Amish type. Identifiers: Orphanet 766, MedGen C0340968, MONDO:0009950, OMIM 266200.

gnomAD v4.1: 5 of 1,613,812 alleles (0.00031%); highest among the groups gnomAD compares: Admixed American, 0.0017%; no homozygotes.

Submissions (2):

3billion
Classification: Uncertain significance for Pyruvate kinase deficiency of red cells. Last evaluated: 2025-11-26. Review status: criteria provided, single submitter. Criteria: ACMG Guidelines, 2015. Collection method: clinical testing. Allele origin: germline. Affected: yes.
Comment: The variant is observed at an extremely low frequency in the gnomAD v4.1.0 dataset (total allele frequency: <0.001%). Predicted Consequence/Location: Missense variant Damaging effect on gene or gene product predicted by in silico programs is uncertain [REVEL: 0.55 (damaging >=0.6, benign <0.4)]. Therefore, this variant is classified as VUS according to the recommendation of ACMG/AMP guideline.

Blueprint Genetics
Classification: Uncertain significance. Last evaluated: 2024-06-17. Review status: criteria provided, single submitter. Criteria: ACMG Guidelines, 2015. Collection method: clinical testing. Allele origin: germline.